The following is an entry in ClinVar:

NM_002047.4(GARS1):c.2110A>G (p.Ser704Gly)

Gene: GARS1 (glycyl-tRNA synthetase 1; plus strand). Cytogenetic location: 7p14.3.
Variant type: single nucleotide variant.
Coding change: c.2110A>G on transcript NM_002047.4 (MANE Select); coding-DNA position 2110, A replaced by G.
Protein change: p.Ser704Gly; replaces serine 704 with glycine.
Molecular consequence: missense variant.
Genome position (GRCh38, 1-based): chr7:30,633,750, A>G. VCF-style: chr7-30633750-A-G. GRCh37 (hg19) VCF-style: chr7-30673366-A-G.
Other names: c.1948A>G, p.Ser650Gly (NM_001316772.1); short protein forms S650G, S704G.
Identifiers: ClinVar variation 2720980 (VCV002720980.3), dbSNP rs1273624535, ClinGen allele CA367131862.
Genomic context (GRCh38, chr7:30,633,750, plus strand): 5'-CTGAACAAGTTGGTTGATACTTGGCTTCTCTTTCCTTGTCTCTAGATCTCTGAGCTGCCC[A>G]GCATAGTCCAAGACCTAGCCAATGGCAACATCACATGGGCTGATGTGGAGGCCAGGTATC-3'
Protein context (NP_002038.2, residues 694-714): QIRAEISELP[Ser704Gly]IVQDLANGNI

ClinVar aggregate classification (germline): Uncertain significance (1 of 4 stars; one submission).

Conditions:
Charcot-Marie-Tooth disease type 2. Also called: Charcot-Marie-Tooth type 2. Identifiers: Orphanet 64746, MedGen C0270914, MONDO:0018993.

Allele frequency attached by ClinVar (database versions not stated): gnomAD 0.00001; gnomAD exomes below 0.00001; TOPMed below 0.00001.
gnomAD v4.1: 3 of 1,614,000 alleles (0.00019%); highest among the groups gnomAD compares: Non-Finnish European, 0.00025%; no homozygotes.

Submission:

Labcorp Genetics (formerly Invitae), Labcorp
Classification: Uncertain significance for Charcot-Marie-Tooth disease type 2. Last evaluated: 2025-10-02. Review status: criteria provided, single submitter. Criteria: Invitae Variant Classification Sherloc (09022015). Collection method: clinical testing. Allele origin: germline.
Comment: This sequence change replaces serine, which is neutral and polar, with glycine, which is neutral and non-polar, at codon 704 of the GARS protein (p.Ser704Gly). This variant is present in population databases (no rsID available, gnomAD 0.0009%). This variant has not been reported in the literature in individuals affected with GARS-related conditions. ClinVar contains an entry for this variant (Variation ID: 2720980). Invitae Evidence Modeling of protein sequence and biophysical properties (such as structural, functional, and spatial information, amino acid conservation, physicochemical variation, residue mobility, and thermodynamic stability) indicates that this missense variant is not expected to disrupt GARS protein function with a negative predictive value of 95%. In summary, the available evidence is currently insufficient to determine the role of this variant in disease. Therefore, it has been classified as a Variant of Uncertain Significance.